The following is an entry in ClinVar:

ClinVar aggregate classification (germline): Likely pathogenic. Review status: criteria provided, single submitter (1 of 4 stars). 2 submissions from 2 submitters: Likely pathogenic (1). 1 of the submissions does not count toward it. Last evaluated 2024-01-01.

Submissions (2):

CeGaT Center for Human Genetics Tuebingen
Classification: Likely pathogenic. Last evaluated: 2024-01-01. Review status: criteria provided, single submitter. Criteria: CeGaT Center For Human Genetics Tuebingen Variant Classification Criteria Version 2. Collection method: clinical testing. Allele origin: germline. Affected: yes. Observed: 1 variant allele.
Comment: KRT12: PM1, PM2, PP4, PS4:Supporting

Epithelial Biology;  Institute of Medical Biology, Singapore
No classification provided. Review status: no classification provided. Collection method: not provided. Allele origin: not provided. Not counted in ClinVar's aggregate classification.

NM_000223.4(KRT12):c.399T>G (p.Asn133Lys)

Gene: KRT12 (keratin 12; minus strand). Cytogenetic location: 17q21.2.
Variant type: single nucleotide variant.
Coding change: c.399T>G on transcript NM_000223.4 (MANE Select); coding-DNA position 399, T replaced by G.
Protein change: p.Asn133Lys; replaces asparagine 133 with lysine.
Molecular consequence: missense variant.
Genome position (GRCh38, 1-based): chr17:40,866,788, A>C on the plus strand (T>G on the coding strand, the complement: KRT12 is on the minus strand). VCF-style: chr17-40866788-A-C. GRCh37 (hg19) VCF-style: chr17-39023040-A-C.
Other names: short protein forms N133K.
Identifiers: ClinVar variation 66124 (VCV000066124.23), dbSNP rs61167390, ClinGen allele CA216513.
Genomic context (GRCh38, chr17:40,866,788, plus strand): 5'-TAGCTCAGTATTAGCCTCTTCTAGAGCTCGCACCTTATCCAGGTAGGAAGCTAATCTATC[A>C]TTAAGATTTTGCATAGTTTCTTTTTCTGATCCAGAAAGAAGGCCTCCATCATTGCCCGAG-3'
Protein context (NP_000214.1, residues 123-143): GSEKETMQNL[Asn133Lys]DRLASYLDKV